The following is an entry in ClinVar:

NM_199420.4(POLQ):c.113T>C (p.Val38Ala)

Genes: POLQ (DNA polymerase theta; minus strand), LOC112872292 (Sharpr-MPRA regulatory region 30; plus strand). Cytogenetic location: 3q13.33.
Variant type: single nucleotide variant.
Coding change: c.113T>C on transcript NM_199420.4 (MANE Select); coding-DNA position 113, T replaced by C.
Protein change: p.Val38Ala; replaces valine 38 with alanine.
Molecular consequence: missense variant.
Genome position (GRCh38, 1-based): chr3:121,545,765, A>G on the plus strand (T>C on the coding strand, the complement: POLQ is on the minus strand). VCF-style: chr3-121545765-A-G. GRCh37 (hg19) VCF-style: chr3-121264612-A-G.
Other names: short protein forms V38A.
Identifiers: ClinVar variation 3229813 (VCV003229813.1), dbSNP rs1316050294, ClinGen allele CA354097119.
Genomic context (GRCh38, chr3:121,545,765, plus strand): 5'-CCTGGAGCACCTGCAGCTGCGGCCTTCAGGCAGCGACCAAGGCCGGGCGGCGGGCTCAGC[A>G]CGGACCCGGAGAGGAACTGGGGGCTGGCACTGCTGTCACCGCCGCTTCCCGAGAACGAAT-3'
Protein context (NP_955452.3, residues 28-48): SASPQFLSGS[Val38Ala]LSPPPGLGRC

ClinVar aggregate classification (germline): Uncertain significance (1 of 4 stars; one submission).

Allele frequency attached by ClinVar (database versions not stated): gnomAD exomes below 0.00001.
gnomAD v4.1: 1 of 1,604,780 alleles (0.000062%); highest among the groups gnomAD compares: Non-Finnish European, 0.000085%; no homozygotes.

Submission:

Ambry Genetics
Classification: Uncertain significance. Last evaluated: 2023-09-21. Review status: criteria provided, single submitter. Criteria: Ambry Variant Classification Scheme 2023. Collection method: clinical testing. Allele origin: germline.
Comment: The p.V38A variant (also known as c.113T>C), located in coding exon 1 of the POLQ gene, results from a T to C substitution at nucleotide position 113. The valine at codon 38 is replaced by alanine, an amino acid with similar properties. This amino acid position is conserved. In addition, this alteration is predicted to be tolerated by in silico analysis. Since supporting evidence is limited at this time, the clinical significance of this alteration remains unclear.